The following is an entry in ClinVar:

ClinVar aggregate classification (germline): Uncertain significance (1 of 4 stars; one submission).

Conditions:
Infantile spasms. Also called: Infantile spasm. Identifiers: MedGen C3887898, HP:0012469.

Submission:

Labcorp Genetics (formerly Invitae), Labcorp
Classification: Uncertain significance for Infantile spasms. Last evaluated: 2023-02-25. Review status: criteria provided, single submitter. Criteria: Invitae Variant Classification Sherloc (09022015). Collection method: clinical testing. Allele origin: germline.
Comment: In summary, the available evidence is currently insufficient to determine the role of this variant in disease. Therefore, it has been classified as a Variant of Uncertain Significance. Algorithms developed to predict the effect of missense changes on protein structure and function output the following: SIFT: "Not Available"; PolyPhen-2: "Benign"; Align-GVGD: "Not Available". The asparagine amino acid residue is found in multiple mammalian species, which suggests that this missense change does not adversely affect protein function. This variant has not been reported in the literature in individuals affected with PIK3AP1-related conditions. This variant is not present in population databases (gnomAD no frequency). This sequence change replaces aspartic acid, which is acidic and polar, with asparagine, which is neutral and polar, at codon 107 of the PIK3AP1 protein (p.Asp107Asn).

NM_152309.3(PIK3AP1):c.319G>A (p.Asp107Asn)

Gene: PIK3AP1 (phosphoinositide-3-kinase adaptor protein 1; minus strand). Cytogenetic location: 10q24.1.
Variant type: single nucleotide variant.
Coding change: c.319G>A on transcript NM_152309.3 (MANE Select); coding-DNA position 319, G replaced by A.
Protein change: p.Asp107Asn; replaces aspartic acid 107 with asparagine.
Molecular consequence: missense variant.
Genome position (GRCh38, 1-based): chr10:96,709,678, C>T on the plus strand (G>A on the coding strand, the complement: PIK3AP1 is on the minus strand). VCF-style: chr10-96709678-C-T. GRCh37 (hg19) VCF-style: chr10-98469435-C-T.
Other names: short protein forms D107N.
Identifiers: ClinVar variation 2813671 (VCV002813671.3), dbSNP rs750477172, ClinGen allele CA377759392.
Genomic context (GRCh38, chr10:96,709,678, plus strand): 5'-CACAGGTGAGCTCCTGCCAATGGGCCCAATCTGGAAAGAAGTCTAGGAACTCCTCGCTGT[C>T]CCGCACGCCGCAGAGCAGCCTGACCACGCGGTGCGGAGGATGGAAAGCTCTCTGCAGCAG-3'
Protein context (NP_689522.2, residues 97-117): RVVRLLCGVR[Asp107Asn]SEEFLDFFPD